The following is an entry in ClinVar:

NM_001365902.3(NFIX):c.782T>C (p.Leu261Pro)

Gene: NFIX (nuclear factor I X; plus strand). Cytogenetic location: 19p13.13.
Variant type: single nucleotide variant.
Coding change: c.782T>C on transcript NM_001365902.3 (MANE Select); coding-DNA position 782, T replaced by C.
Protein change: p.Leu261Pro; replaces leucine 261 with proline.
Molecular consequence: missense variant.
Genome position (GRCh38, 1-based): chr19:13,073,990, T>C. VCF-style: chr19-13073990-T-C. GRCh37 (hg19) VCF-style: chr19-13184804-T-C.
Other names: c.806T>C, p.Leu269Pro (NM_001271043.2); c.758T>C, p.Leu253Pro (NM_001271044.3, NM_001378404.1); c.782T>C, p.Leu261Pro (NM_001365982.2, NM_002501.4); c.641T>C, p.Leu214Pro (NM_001365983.2); c.779T>C, p.Leu260Pro (NM_001365984.2, NM_001365985.2); c.830T>C, p.Leu277Pro (NM_001378405.1); short protein forms L214P, L253P, L260P, L261P, L269P, L277P.
Identifiers: ClinVar variation 1690521 (VCV001690521.2), dbSNP rs2145435039, ClinGen allele CA404295801.

ClinVar aggregate classification (germline): Uncertain significance (1 of 4 stars; one submission).

Submission:

Laboratorio de Genetica e Diagnostico Molecular, Hospital Israelita Albert Einstein
Classification: Uncertain significance. Last evaluated: 2021-12-03. Review status: criteria provided, single submitter. Criteria: ACMG Guidelines, 2015. Collection method: clinical testing. Allele origin: germline. Affected: yes.
Comment: ACMG classification criteria: PM2, BP4